The following is an entry in ClinVar:

NM_000717.5(CA4):c.480A>C (p.Glu160Asp)

Gene: CA4 (carbonic anhydrase 4; plus strand). Cytogenetic location: 17q23.1.
Variant type: single nucleotide variant.
Coding change: c.480A>C on transcript NM_000717.5 (MANE Select); coding-DNA position 480, A replaced by C.
Protein change: p.Glu160Asp; replaces glutamic acid 160 with aspartic acid.
Molecular consequence: missense variant. On other transcripts: non-coding transcript variant (1).
Genome position (GRCh38, 1-based): chr17:60,157,755, A>C. VCF-style: chr17-60157755-A-C. GRCh37 (hg19) VCF-style: chr17-58235116-A-C.
Other names: c.480A>C (NM_000717.3); short protein forms E160D.
Identifiers: ClinVar variation 1038993 (VCV001038993.10), dbSNP rs766646182, ClinGen allele CA8685374.

ClinVar aggregate classification (germline): Uncertain significance. Review status: criteria provided, multiple submitters, no conflicts (2 of 4 stars). 2 submissions from 2 submitters: Uncertain significance (2). Last evaluated 2025-02-12.

Allele frequency attached by ClinVar (database versions not stated): gnomAD exomes 0.00002 and 0.00003; TOPMed 0.00002; ExAC 0.00003; gnomAD 0.00003.
gnomAD v4.1: 49 of 1,613,994 alleles (0.003%); highest among the groups gnomAD compares: Non-Finnish European, 0.0042%; no homozygotes.

Submissions (2):

Labcorp Genetics (formerly Invitae), Labcorp
Classification: Uncertain significance. Last evaluated: 2025-02-12. Review status: criteria provided, single submitter. Criteria: Invitae Variant Classification Sherloc (09022015). Collection method: clinical testing. Allele origin: germline.
Comment: This sequence change replaces glutamic acid, which is acidic and polar, with aspartic acid, which is acidic and polar, at codon 160 of the CA4 protein (p.Glu160Asp). This variant is present in population databases (rs766646182, gnomAD 0.006%). This variant has not been reported in the literature in individuals affected with CA4-related conditions. ClinVar contains an entry for this variant (Variation ID: 1038993). An algorithm developed to predict the effect of missense changes on protein structure and function outputs the following: PolyPhen-2: "Benign". The aspartic acid amino acid residue is found in multiple mammalian species, which suggests that this missense change does not adversely affect protein function. In summary, the available evidence is currently insufficient to determine the role of this variant in disease. Therefore, it has been classified as a Variant of Uncertain Significance.

Ambry Genetics
Classification: Uncertain significance. Last evaluated: 2023-02-27. Review status: criteria provided, single submitter. Criteria: Ambry Variant Classification Scheme 2023. Collection method: clinical testing. Allele origin: germline.